The following is an entry in ClinVar:

NM_004168.4(SDHA):c.203G>C (p.Gly68Ala)

Gene: SDHA (succinate dehydrogenase complex flavoprotein subunit A; plus strand). Cytogenetic location: 5p15.33.
Variant type: single nucleotide variant.
Coding change: c.203G>C on transcript NM_004168.4 (MANE Select); coding-DNA position 203, G replaced by C.
Protein change: p.Gly68Ala; replaces glycine 68 with alanine.
Molecular consequence: missense variant.
Genome position (GRCh38, 1-based): chr5:224,412, G>C. VCF-style: chr5-224412-G-C. GRCh37 (hg19) VCF-style: chr5-224527-G-C.
Other names: c.203G>C, p.Gly68Ala (NM_001294332.2, NM_001330758.2); short protein forms G68A.
Identifiers: ClinVar variation 3223738 (VCV003223738.2), dbSNP rs2477285858, ClinGen allele CA359008481.
Genomic context (GRCh38, chr5:224,412, plus strand): 5'-TTTTCCAGATTTCTGCTCAGTATCCAGTAGTGGATCATGAATTTGATGCAGTGGTGGTAG[G>C]CGCTGGAGGGGCAGGCTTGCGAGCTGCATTTGGCCTTTCTGAGGCAGGGTTTAATACAGC-3'
Protein context (NP_004159.2, residues 58-78): VDHEFDAVVV[Gly68Ala]AGGAGLRAAF

ClinVar aggregate classification (germline): Uncertain significance (1 of 4 stars; one submission).

Conditions:
Hereditary cancer-predisposing syndrome. Also called: Tumor predisposition; Hereditary Cancer Syndrome; Hereditary neoplastic syndrome; Neoplastic Syndromes, Hereditary. Identifiers: Orphanet 140162, MedGen C0027672, MeSH D009386, MONDO:0015356.

Submission:

Ambry Genetics
Classification: Uncertain significance for Hereditary cancer-predisposing syndrome. Last evaluated: 2026-02-10. Review status: criteria provided, single submitter. Criteria: Ambry Variant Classification Scheme 2023. Collection method: clinical testing. Allele origin: germline.
Comment: The p.G68A variant (also known as c.203G>C), located in coding exon 3 of the SDHA gene, results from a G to C substitution at nucleotide position 203. The glycine at codon 68 is replaced by alanine, an amino acid with similar properties. This amino acid position is conserved. In addition, this alteration is predicted to be deleterious by in silico analysis. Based on the available evidence, the clinical significance of this alteration remains unclear.